The following is an entry in ClinVar:

NM_001378964.1(CDON):c.2027A>G (p.Glu676Gly)

Gene: CDON (cell adhesion associated, oncogene regulated; minus strand). Cytogenetic location: 11q24.2.
Variant type: single nucleotide variant.
Coding change: c.2027A>G on transcript NM_001378964.1 (MANE Select); coding-DNA position 2027, A replaced by G.
Protein change: p.Glu676Gly; replaces glutamic acid 676 with glycine.
Molecular consequence: missense variant.
Genome position (GRCh38, 1-based): chr11:126,001,850, T>C on the plus strand (A>G on the coding strand, the complement: CDON is on the minus strand). VCF-style: chr11-126001850-T-C. GRCh37 (hg19) VCF-style: chr11-125871745-T-C.
Other names: c.2027A>G, p.Glu676Gly (NM_001243597.3, NM_016952.6); short protein forms E676G.
Identifiers: ClinVar variation 850621 (VCV000850621.10), dbSNP rs1946956107, ClinGen allele CA383207418.

ClinVar aggregate classification (germline): Uncertain significance (1 of 4 stars; one submission).

Conditions:
Holoprosencephaly 11 (HPE11). Identifiers: Orphanet 2162, MedGen C3280215, MONDO:0013642, OMIM 614226.

Allele frequency attached by ClinVar (database versions not stated): gnomAD exomes below 0.00001.
gnomAD v4.1: 2 of 1,593,406 alleles (0.00013%); highest among the groups gnomAD compares: Non-Finnish European, 0.00017%; no homozygotes.

Submission:

Labcorp Genetics (formerly Invitae), Labcorp
Classification: Uncertain significance for Holoprosencephaly 11. Last evaluated: 2020-10-01. Review status: criteria provided, single submitter. Criteria: Invitae Variant Classification Sherloc (09022015). Collection method: clinical testing. Allele origin: germline.
Comment: In summary, the available evidence is currently insufficient to determine the role of this variant in disease. Therefore, it has been classified as a Variant of Uncertain Significance. Algorithms developed to predict the effect of missense changes on protein structure and function (SIFT, PolyPhen-2, Align-GVGD) all suggest that this variant is likely to be disruptive, but these predictions have not been confirmed by published functional studies and their clinical significance is uncertain. This variant has not been reported in the literature in individuals with CDON-related conditions. This variant is not present in population databases (ExAC no frequency). This sequence change replaces glutamic acid with glycine at codon 676 of the CDON protein (p.Glu676Gly). The glutamic acid residue is highly conserved and there is a moderate physicochemical difference between glutamic acid and glycine.